The following is an entry in ClinVar:

ClinVar aggregate classification (germline): Uncertain significance (1 of 4 stars; one submission).

Conditions:
Inborn genetic diseases. Identifiers: MedGen C0950123, MeSH D030342.

Submission:

Ambry Genetics
Classification: Uncertain significance for Inborn genetic diseases. Last evaluated: 2025-08-11. Review status: criteria provided, single submitter. Criteria: Ambry Variant Classification Scheme 2023. Collection method: clinical testing. Allele origin: germline.
Comment: The c.33+5A>G intronic variant results from an A to G substitution 5 nucleotides after coding exon 1 in the ETV6 gene. This nucleotide position is well conserved in available vertebrate species. In silico splice site analysis predicts that this alteration will not have any significant effect on splicing. Based on the available evidence, the clinical significance of this variant remains unclear.

NM_001987.5(ETV6):c.33+5A>G

Gene: ETV6 (ETS variant transcription factor 6; plus strand). Cytogenetic location: 12p13.2.
Variant type: single nucleotide variant.
Coding change: c.33+5A>G on transcript NM_001987.5 (MANE Select); 5 bases into the intron after coding-DNA position 33, A replaced by G.
Molecular consequence: intron variant.
Genome position (GRCh38, 1-based): chr12:11,650,165, A>G. VCF-style: chr12-11650165-A-G. GRCh37 (hg19) VCF-style: chr12-11803099-A-G.
Other names: c.-120+5A>G (NM_001413914.1); c.33+5A>G (NM_001413917.1, NM_001413913.1, NM_001413916.1 and 1 more transcripts); c.-102+5A>G (NM_001413915.1).
Identifiers: ClinVar variation 4251475 (VCV004251475.1).
Genomic context (GRCh38, chr12:11,650,165, plus strand): 5'-CCTGATCTCTCTCGCTGTGAGACATGTCTGAGACTCCTGCTCAGTGTAGCATTAAGGTAA[A>G]AATCTTCTCCCCTCCTTCTACGTGGTGGAAACCCTGAGCTGCACCGGCCAGGGCAGTCGT-3'